The following is an entry in ClinVar:

ClinVar aggregate classification (germline): Uncertain significance (1 of 4 stars; one submission).

Conditions:
Hereditary nonpolyposis colorectal neoplasms. Identifiers: MedGen C0009405, MeSH D003123.

Submission:

Labcorp Genetics (formerly Invitae), Labcorp
Classification: Uncertain significance for Hereditary nonpolyposis colorectal neoplasms. Last evaluated: 2023-07-07. Review status: criteria provided, single submitter. Criteria: Invitae Variant Classification Sherloc (09022015). Collection method: clinical testing. Allele origin: germline.
Comment: This variant is not present in population databases (gnomAD no frequency). This variant has not been reported in the literature in individuals affected with MSH6-related conditions. Advanced modeling of protein sequence and biophysical properties (such as structural, functional, and spatial information, amino acid conservation, physicochemical variation, residue mobility, and thermodynamic stability) performed at Invitae indicates that this missense variant is not expected to disrupt MSH6 protein function. In summary, the available evidence is currently insufficient to determine the role of this variant in disease. Therefore, it has been classified as a Variant of Uncertain Significance. This sequence change replaces threonine, which is neutral and polar, with isoleucine, which is neutral and non-polar, at codon 1238 of the MSH6 protein (p.Thr1238Ile).

NM_000179.3(MSH6):c.3713C>T (p.Thr1238Ile)

Gene: MSH6 (mutS homolog 6; plus strand). Cytogenetic location: 2p16.3.
Variant type: single nucleotide variant.
Coding change: c.3713C>T on transcript NM_000179.3 (MANE Select); coding-DNA position 3713, C replaced by T.
Protein change: p.Thr1238Ile; replaces threonine 1238 with isoleucine.
Molecular consequence: missense variant. On other transcripts: non-coding transcript variant (5).
Genome position (GRCh38, 1-based): chr2:47,806,270, C>T. VCF-style: chr2-47806270-C-T. GRCh37 (hg19) VCF-style: chr2-48033409-C-T.
Other names: c.3323C>T, p.Thr1108Ile (NM_001281492.2); c.2807C>T, p.Thr936Ile (NM_001281493.2, NM_001281494.2, NM_001406811.1 and 6 more transcripts); c.3809C>T, p.Thr1270Ile (NM_001406795.1, NM_001406802.1); c.3713C>T, p.Thr1238Ile (NM_001406796.1, NM_001406800.1, NM_001406808.1 and 1 more transcripts); c.3416C>T, p.Thr1139Ile (NM_001406797.1, NM_001406801.1, NM_001406805.1 and 10 more transcripts); c.3539C>T, p.Thr1180Ile (NM_001406798.1); c.3188C>T, p.Thr1063Ile (NM_001406799.1, NM_001406806.1, NM_001406807.1); c.2849C>T, p.Thr950Ile (NM_001406803.1); and 7 more; short protein forms T1212I, T1270I, T165I, T1063I, T1139I, T1182I, T950I, T1108I.
Identifiers: ClinVar variation 2856015 (VCV002856015.3), dbSNP rs755349360, ClinGen allele CA346761005.
Genomic context (GRCh38, chr2:47,806,270, plus strand): 5'-GTACTGCAACATTTGATGGGACGGCAATAGCAAATGCAGTTGTTAAAGAACTTGCTGAGA[C>T]TATAAAATGTCGTACATTATTTTCAACTCACTACCATTCATTAGTAGAAGATTATTCTCA-3'
Protein context (NP_000170.1, residues 1228-1248): ANAVVKELAE[Thr1238Ile]IKCRTLFSTH